The following is an entry in ClinVar:

NM_032816.5(CEP89):c.1856G>A (p.Arg619His)

Gene: CEP89 (centrosomal protein 89; minus strand). Cytogenetic location: 19q13.11.
Variant type: single nucleotide variant.
Coding change: c.1856G>A on transcript NM_032816.5 (MANE Select); coding-DNA position 1856, G replaced by A.
Protein change: p.Arg619His; replaces arginine 619 with histidine.
Molecular consequence: missense variant.
Genome position (GRCh38, 1-based): chr19:32,899,876, C>T on the plus strand (G>A on the coding strand, the complement: CEP89 is on the minus strand). VCF-style: chr19-32899876-C-T. GRCh37 (hg19) VCF-style: chr19-33390782-C-T.
Other names: c.1856G>A (NM_032816.3); short protein forms R619H.
Identifiers: ClinVar variation 2751963 (VCV002751963.4), dbSNP rs147974740, ClinGen allele CA9359155.

ClinVar aggregate classification (germline): Uncertain significance. Review status: criteria provided, multiple submitters, no conflicts (2 of 4 stars). 2 submissions from 2 submitters: Uncertain significance (2). Last evaluated 2025-11-24.

Allele frequency attached by ClinVar (database versions not stated): ESP Exome Variant Server 0.00008; gnomAD 0.00010; TOPMed 0.00010; ExAC 0.00011; 1000 Genomes Project 30x 0.00094; 1000 Genomes Project 0.00100.
gnomAD v4.1: 146 of 1,613,850 alleles (0.009%); highest among the groups gnomAD compares: Middle Eastern, 0.033%; 1 homozygote.

Submissions (2):

Ambry Genetics
Classification: Uncertain significance. Last evaluated: 2025-11-24. Review status: criteria provided, single submitter. Criteria: Ambry Variant Classification Scheme 2023. Collection method: clinical testing. Allele origin: germline.

Labcorp Genetics (formerly Invitae), Labcorp
Classification: Uncertain significance. Last evaluated: 2024-07-14. Review status: criteria provided, single submitter. Criteria: Invitae Variant Classification Sherloc (09022015). Collection method: clinical testing. Allele origin: germline.
Comment: This sequence change replaces arginine, which is basic and polar, with histidine, which is basic and polar, at codon 619 of the CEP89 protein (p.Arg619His). This variant is present in population databases (rs147974740, gnomAD 0.02%). This variant has not been reported in the literature in individuals affected with CEP89-related conditions. An algorithm developed to predict the effect of missense changes on protein structure and function (PolyPhen-2) suggests that this variant is likely to be tolerated. In summary, the available evidence is currently insufficient to determine the role of this variant in disease. Therefore, it has been classified as a Variant of Uncertain Significance.